The following is an entry in ClinVar:

NM_025215.6(PUS1):c.-49G>T

Gene: PUS1 (pseudouridine synthase 1; plus strand). Cytogenetic location: 12q24.33.
Variant type: single nucleotide variant.
Coding change: c.-49G>T on transcript NM_025215.6 (MANE Select); 49 bases upstream of the start codon, G replaced by T.
Molecular consequence: 5 prime UTR variant. On other transcripts: intron variant (2).
Genome position (GRCh38, 1-based): chr12:131,929,674, G>T. VCF-style: chr12-131929674-G-T. GRCh37 (hg19) VCF-style: chr12-132414219-G-T.
Other names: c.-10-233G>T (NM_001002019.3, NM_001002020.3).
Identifiers: ClinVar variation 514445 (VCV000514445.1), dbSNP rs749866790, ClinGen allele CA608224837.
Genomic context (GRCh38, chr12:131,929,674, plus strand): 5'-GCTGCAGCGTCAGGGTCCGAGAGGTTAGGGGTCGGCAGAGGCGGAGCTGGGGCACTGGGG[G>T]TCAGGGGTCGGGGATCAGGGCGGGGTCGGGTGCACTGGTAGCCTGCGCATGGGCCTCCAG-3'

ClinVar aggregate classification (germline): Likely benign (1 of 4 stars; one submission).

Allele frequency attached by ClinVar (database versions not stated): TOPMed below 0.00001.

Submission:

GeneDx
Classification: Likely benign. Last evaluated: 2018-01-31. Review status: criteria provided, single submitter. Criteria: GeneDx Variant Classification (06012015). Collection method: clinical testing. Allele origin: germline. Affected: yes.
Comment: This variant is considered likely benign or benign based on one or more of the following criteria: it is a conservative change, it occurs at a poorly conserved position in the protein, it is predicted to be benign by multiple in silico algorithms, and/or has population frequency not consistent with disease.